The following is an entry in ClinVar:

ClinVar aggregate classification (germline): Conflicting classifications of pathogenicity. Review status: criteria provided, conflicting classifications (1 of 4 stars). 5 submissions from 5 submitters: Uncertain significance (3); Likely benign (2). Last evaluated 2026-03-02.

Conditions:
Cardiomyopathy (CMYO). Also called: Cardiomyopathies. Identifiers: Orphanet 167848, MedGen C0878544, MONDO:0004994, HP:0001638. Inheritance: Various modes of inheritance.
Hypertrophic cardiomyopathy. Also called: HYPERTROPHIC MYOCARDIOPATHY. Identifiers: Orphanet 217569, MedGen C0007194, MeSH D002312, MONDO:0005045, HP:0001639.
Cardiovascular phenotype. Identifiers: MedGen CN230736.

Allele frequency attached by ClinVar (database versions not stated): ExAC 0.00001; gnomAD 0.00001; gnomAD exomes 0.00001; TOPMed 0.00002.
gnomAD v4.1: 14 of 1,611,954 alleles (0.00087%); highest among the groups gnomAD compares: African/African-American, 0.0067%; no homozygotes.

Submissions (5):

Women's Health and Genetics/Laboratory Corporation of America, LabCorp
Classification: Likely benign. Last evaluated: 2026-03-02. Review status: criteria provided, single submitter. Criteria: LabCorp Variant Classification Summary - May 2015. Collection method: clinical testing. Allele origin: germline.

Ambry Genetics
Classification: Uncertain significance for Cardiovascular phenotype. Last evaluated: 2025-11-26. Review status: criteria provided, single submitter. Criteria: Ambry Variant Classification Scheme 2023. Collection method: clinical testing. Allele origin: germline.
Comment: The c.1287G>A variant (also known as p.A429A), located in coding exon 15 of the MYBPC3 gene, results from a G to A substitution at nucleotide position 1287. This nucleotide substitution does not change the amino acid at codon 429. This nucleotide position is poorly conserved in available vertebrate species. In silico splice site analysis for this alteration is inconclusive. Based on the available evidence, the clinical significance of this variant remains unclear.

Labcorp Genetics (formerly Invitae), Labcorp
Classification: Likely benign for Hypertrophic cardiomyopathy. Last evaluated: 2024-10-05. Review status: criteria provided, single submitter. Criteria: Invitae Variant Classification Sherloc (09022015). Collection method: clinical testing. Allele origin: germline.

All of Us Research Program, National Institutes of Health
Classification: Uncertain significance for Hypertrophic cardiomyopathy. Last evaluated: 2023-12-18. Review status: criteria provided, single submitter. Criteria: ACMG Guidelines, 2015. Collection method: clinical testing. Allele origin: germline. Inheritance: Autosomal dominant inheritance. Observed: 1 variant allele, 1 heterozygote.
Comment: This synonymous variant does not change the amino acid sequence of the MYBPC3 protein. Splice prediction tools are inconclusive regarding the impact of this variant on RNA splicing. To our knowledge, functional studies have not been reported for this variant. This variant has not been reported in individuals affected with cardiovascular disorders in the literature. This variant has been identified in 3/244822 chromosomes in the general population by the Genome Aggregation Database (gnomAD). The available evidence is insufficient to determine the role of this variant in disease conclusively. Therefore, this variant is classified as a Variant of Uncertain Significance.

This study involves interpretation of variants in research participants for the purpose of population health screening. Participant phenotype was not available at the time of variant classification. Additional details can be found in publication PMID: 35346344, PMCID: PMC8962531

Color Diagnostics, LLC DBA Color Health
Classification: Uncertain significance for Cardiomyopathy. Last evaluated: 2023-11-29. Review status: criteria provided, single submitter. Criteria: ACMG Guidelines, 2015. Collection method: clinical testing. Allele origin: germline.
Comment: This synonymous variant does not change the amino acid sequence of the MYBPC3 protein. Splice prediction tools are inconclusive regarding the impact of this variant on RNA splicing. To our knowledge, functional studies have not been reported for this variant. This variant has not been reported in individuals affected with MYBPC3-related disorders in the literature. This variant has been identified in 3/244822 chromosomes in the general population by the Genome Aggregation Database (gnomAD). The available evidence is insufficient to determine the role of this variant in disease conclusively. Therefore, this variant is classified as a Variant of Uncertain Significance.

NM_000256.3(MYBPC3):c.1287G>A (p.Ala429=)

Gene: MYBPC3 (myosin binding protein C3; minus strand). Cytogenetic location: 11p11.2.
Variant type: single nucleotide variant.
Coding change: c.1287G>A on transcript NM_000256.3 (MANE Select); coding-DNA position 1287, G replaced by A.
Protein change: p.Ala429=; no amino-acid change (alanine 429 retained).
Molecular consequence: synonymous variant.
Genome position (GRCh38, 1-based): chr11:47,343,085, C>T on the plus strand (G>A on the coding strand, the complement: MYBPC3 is on the minus strand). VCF-style: chr11-47343085-C-T. GRCh37 (hg19) VCF-style: chr11-47364636-C-T.
Other names: c.1287G>A, p.Ala429= (LRG_386t1).
Identifiers: ClinVar variation 407334 (VCV000407334.19), dbSNP rs778718628, ClinGen allele CA077966.